The following is an entry in ClinVar:

ClinVar aggregate classification (germline): Uncertain significance. Review status: criteria provided, single submitter (1 of 4 stars). 2 submissions from 2 submitters: Uncertain significance (1). 1 of the submissions does not count toward it. Last evaluated 2025-04-28.

Conditions:
Usher syndrome type 1B (USH1B). Also called: Usher syndrome type IB. Identifiers: MedGen C1848638, MONDO:0700087.

Allele frequency attached by ClinVar (database versions not stated): gnomAD exomes 0.00001.
gnomAD v4.1: 7 of 1,613,892 alleles (0.00043%); highest among the groups gnomAD compares: Non-Finnish European, 0.00059%; no homozygotes.

Submissions (2):

Labcorp Genetics (formerly Invitae), Labcorp
Classification: Uncertain significance. Last evaluated: 2025-04-28. Review status: criteria provided, single submitter. Criteria: Invitae Variant Classification Sherloc (09022015). Collection method: clinical testing. Allele origin: germline.
Comment: This sequence change replaces glycine, which is neutral and non-polar, with arginine, which is basic and polar, at codon 575 of the MYO7A protein (p.Gly575Arg). This variant is not present in population databases (gnomAD no frequency). This variant has not been reported in the literature in individuals affected with MYO7A-related conditions. ClinVar contains an entry for this variant (Variation ID: 1036873). Invitae Evidence Modeling of protein sequence and biophysical properties (such as structural, functional, and spatial information, amino acid conservation, physicochemical variation, residue mobility, and thermodynamic stability) indicates that this missense variant is not expected to disrupt MYO7A protein function with a negative predictive value of 95%. In summary, the available evidence is currently insufficient to determine the role of this variant in disease. Therefore, it has been classified as a Variant of Uncertain Significance.

Natera, Inc.
Classification: Uncertain significance for Usher syndrome type 1B. Last evaluated: 2021-06-16. Review status: no assertion criteria provided. Collection method: clinical testing. Allele origin: germline. Not counted in ClinVar's aggregate classification.

NM_000260.4(MYO7A):c.1723G>A (p.Gly575Arg)

Gene: MYO7A (myosin VIIA; plus strand). Cytogenetic location: 11q13.5.
Variant type: single nucleotide variant.
Coding change: c.1723G>A on transcript NM_000260.4 (MANE Select); coding-DNA position 1723, G replaced by A.
Protein change: p.Gly575Arg; replaces glycine 575 with arginine.
Molecular consequence: missense variant.
Genome position (GRCh38, 1-based): chr11:77,166,088, G>A. VCF-style: chr11-77166088-G-A. GRCh37 (hg19) VCF-style: chr11-76877134-G-A.
Other names: c.1723G>A, p.Gly575Arg (NM_001127180.2); c.1690G>A, p.Gly564Arg (NM_001369365.1); short protein forms G564R, G575R.
Identifiers: ClinVar variation 1036873 (VCV001036873.8), dbSNP rs782154632, ClinGen allele CA224832964.